The following is an entry in ClinVar:

NM_005876.5(SPEG):c.6734A>G (p.Tyr2245Cys)

Genes: ASIC4-AS1 (ASIC4 antisense RNA 1; minus strand), SPEG (striated muscle enriched protein kinase; plus strand). Cytogenetic location: 2q35.
Variant type: single nucleotide variant.
Coding change: c.6734A>G on transcript NM_005876.5 (MANE Select); coding-DNA position 6734, A replaced by G.
Protein change: p.Tyr2245Cys; replaces tyrosine 2245 with cysteine.
Molecular consequence: missense variant.
Genome position (GRCh38, 1-based): chr2:219,484,197, A>G. VCF-style: chr2-219484197-A-G. GRCh37 (hg19) VCF-style: chr2-220348919-A-G.
Other names: short protein forms Y2245C.
Identifiers: ClinVar variation 1364421 (VCV001364421.6), dbSNP rs200650051, ClinGen allele CA65991529.

ClinVar aggregate classification (germline): Uncertain significance (1 of 4 stars; one submission).

gnomAD v4.1: 78 of 1,611,204 alleles (0.0048%); highest among the groups gnomAD compares: Non-Finnish European, 0.0064%; no homozygotes.

Submission:

Labcorp Genetics (formerly Invitae), Labcorp
Classification: Uncertain significance. Last evaluated: 2022-06-13. Review status: criteria provided, single submitter. Criteria: Invitae Variant Classification Sherloc (09022015). Collection method: clinical testing. Allele origin: germline.
Comment: In summary, the available evidence is currently insufficient to determine the role of this variant in disease. Therefore, it has been classified as a Variant of Uncertain Significance. Algorithms developed to predict the effect of missense changes on protein structure and function are either unavailable or do not agree on the potential impact of this missense change (SIFT: "Deleterious"; PolyPhen-2: "Possibly Damaging"; Align-GVGD: "Class C0"). This variant has not been reported in the literature in individuals affected with SPEG-related conditions. This variant is present in population databases (no rsID available, gnomAD 0.002%). This sequence change replaces tyrosine, which is neutral and polar, with cysteine, which is neutral and slightly polar, at codon 2245 of the SPEG protein (p.Tyr2245Cys).